The following is an entry in ClinVar:

ClinVar aggregate classification (germline): Uncertain significance. Review status: criteria provided, multiple submitters, no conflicts (2 of 4 stars). 3 submissions from 3 submitters: Uncertain significance (3). Last evaluated 2026-01-14.

Conditions:
Isolated focal cortical dysplasia type II (FCORD2). Also called: CORTICAL DYSPLASIA OF TAYLOR; Focal cortical dysplasia type II. Identifiers: Orphanet 268994, MedGen C1846385, MONDO:0011818, OMIM 607341, HP:0032051.
Lymphangiomyomatosis (LAM). Also called: Lymphangioleiomyomatosis, somatic; Lymphangioleiomyomatosis. Identifiers: Orphanet 538, MedGen C0751674, MONDO:0011705, OMIM 606690.
Tuberous sclerosis 2 (TSC2). Identifiers: Orphanet 805, MedGen C1860707, MONDO:0013199, OMIM 613254.
Hereditary cancer-predisposing syndrome. Also called: Tumor predisposition; Neoplastic Syndromes, Hereditary; Hereditary Cancer Syndrome; Hereditary neoplastic syndrome. Identifiers: Orphanet 140162, MedGen C0027672, MeSH D009386, MONDO:0015356.

Allele frequency attached by ClinVar (database versions not stated): TOPMed 0.00001.
gnomAD v4.1: 2 of 1,611,988 alleles (0.00012%); no homozygotes.

Submissions (3):

Labcorp Genetics (formerly Invitae), Labcorp
Classification: Uncertain significance for Tuberous sclerosis 2. Last evaluated: 2026-01-14. Review status: criteria provided, single submitter. Criteria: Invitae Variant Classification Sherloc (09022015). Collection method: clinical testing. Allele origin: germline.
Comment: This sequence change replaces serine, which is neutral and polar, with arginine, which is basic and polar, at codon 1290 of the TSC2 protein (p.Ser1290Arg). This variant is not present in population databases (gnomAD no frequency). This variant has not been reported in the literature in individuals affected with TSC2-related conditions. ClinVar contains an entry for this variant (Variation ID: 406113). Invitae Evidence Modeling of protein sequence and biophysical properties (such as structural, functional, and spatial information, amino acid conservation, physicochemical variation, residue mobility, and thermodynamic stability) indicates that this missense variant is not expected to disrupt TSC2 protein function with a negative predictive value of 95%. In summary, the available evidence is currently insufficient to determine the role of this variant in disease. Therefore, it has been classified as a Variant of Uncertain Significance.

Ambry Genetics
Classification: Uncertain significance for Hereditary cancer-predisposing syndrome. Last evaluated: 2025-05-31. Review status: criteria provided, single submitter. Criteria: Ambry Variant Classification Scheme 2023. Collection method: clinical testing. Allele origin: germline.
Comment: The p.S1290R variant (also known as c.3870C>G), located in coding exon 31 of the TSC2 gene, results from a C to G substitution at nucleotide position 3870. The serine at codon 1290 is replaced by arginine, an amino acid with dissimilar properties. This amino acid position is conserved. In addition, this alteration is predicted to be deleterious by in silico analysis. Since supporting evidence is limited at this time, the clinical significance of this alteration remains unclear.

Fulgent Genetics
Classification: Uncertain significance for Lymphangiomyomatosis; Isolated focal cortical dysplasia type II; Tuberous sclerosis 2. Last evaluated: 2021-08-04. Review status: criteria provided, single submitter. Criteria: ACMG Guidelines, 2015. Collection method: clinical testing. Allele origin: unknown.

NM_000548.5(TSC2):c.3870C>G (p.Ser1290Arg)

Gene: TSC2 (TSC complex subunit 2; plus strand). Cytogenetic location: 16p13.3.
Variant type: single nucleotide variant.
Coding change: c.3870C>G on transcript NM_000548.5 (MANE Select); coding-DNA position 3870, C replaced by G.
Protein change: p.Ser1290Arg; replaces serine 1290 with arginine.
Molecular consequence: missense variant. On other transcripts: intron variant (6).
Genome position (GRCh38, 1-based): chr16:2,082,491, C>G. VCF-style: chr16-2082491-C-G. GRCh37 (hg19) VCF-style: chr16-2132492-C-G.
Other names: c.3138C>G, p.Ser1046Arg (NM_001318831.2); c.3738C>G, p.Ser1246Arg (NM_001370404.1); c.3741C>G, p.Ser1247Arg (NM_001370405.1, NM_021055.3); c.3814+693C>G (NM_001114382.3); c.3685+693C>G (NM_001363528.2); c.3682+693C>G (NM_001077183.3); c.3574+693C>G (NM_001318827.2); c.3538+693C>G (NM_001318829.2); and 1 more; short protein forms S1290R, S1046R, S1246R, S1247R.
Identifiers: ClinVar variation 406113 (VCV000406113.17), dbSNP rs754466663, ClinGen allele CA16614785.